The following is an entry in ClinVar:

NM_000057.4(BLM):c.2849G>C (p.Gly950Ala)

Gene: BLM (BLM RecQ like helicase; plus strand). Cytogenetic location: 15q26.1.
Variant type: single nucleotide variant.
Coding change: c.2849G>C on transcript NM_000057.4 (MANE Select); coding-DNA position 2849, G replaced by C.
Protein change: p.Gly950Ala; replaces glycine 950 with alanine.
Molecular consequence: missense variant.
Genome position (GRCh38, 1-based): chr15:90,790,674, G>C. VCF-style: chr15-90790674-G-C. GRCh37 (hg19) VCF-style: chr15-91333904-G-C.
Other names: c.2849G>C, p.Gly950Ala (NM_001287246.2, NM_001287247.2); c.1724G>C, p.Gly575Ala (NM_001287248.2); short protein forms G950A, G575A.
Identifiers: ClinVar variation 3654509 (VCV003654509.3).

ClinVar aggregate classification (germline): Uncertain significance. Review status: criteria provided, multiple submitters, no conflicts (2 of 4 stars). 2 submissions from 2 submitters: Uncertain significance (2). Last evaluated 2026-06-14.

Conditions:
Hereditary cancer-predisposing syndrome. Also called: Hereditary neoplastic syndrome; Tumor predisposition; Hereditary Cancer Syndrome; Neoplastic Syndromes, Hereditary. Identifiers: Orphanet 140162, MedGen C0027672, MeSH D009386, MONDO:0015356.
Bloom syndrome (BLM). Also called: Bloom-Torre-Machacek syndrome. Identifiers: Orphanet 125, MedGen C0005859, MONDO:0008876, OMIM 210900.

Submissions (2):

Ambry Genetics
Classification: Uncertain significance for Hereditary cancer-predisposing syndrome. Last evaluated: 2026-06-14. Review status: criteria provided, single submitter. Criteria: Ambry Variant Classification Scheme 2023. Collection method: clinical testing. Allele origin: germline.
Comment: The p.G950A variant (also known as c.2849G>C), located in coding exon 14 of the BLM gene, results from a G to C substitution at nucleotide position 2849. The glycine at codon 950 is replaced by alanine, an amino acid with similar properties. This amino acid position is conserved. In addition, this alteration is predicted to be deleterious by in silico analysis. Based on the available evidence, the clinical significance of this variant remains unclear.

Labcorp Genetics (formerly Invitae), Labcorp
Classification: Uncertain significance for Bloom syndrome. Last evaluated: 2024-08-05. Review status: criteria provided, single submitter. Criteria: Invitae Variant Classification Sherloc (09022015). Collection method: clinical testing. Allele origin: germline.
Comment: This sequence change replaces glycine, which is neutral and non-polar, with alanine, which is neutral and non-polar, at codon 950 of the BLM protein (p.Gly950Ala). This variant is not present in population databases (gnomAD no frequency). This variant has not been reported in the literature in individuals affected with BLM-related conditions. Advanced modeling of protein sequence and biophysical properties (such as structural, functional, and spatial information, amino acid conservation, physicochemical variation, residue mobility, and thermodynamic stability) performed at Invitae indicates that this missense variant is expected to disrupt BLM protein function with a positive predictive value of 80%. In summary, the available evidence is currently insufficient to determine the role of this variant in disease. Therefore, it has been classified as a Variant of Uncertain Significance.